The following is an entry in ClinVar:

ClinVar aggregate classification (germline): Uncertain significance (1 of 4 stars; one submission).

Conditions:
Autoimmune interstitial lung disease-arthritis syndrome. Also called: Autoinflammation and autoimmunity, systemic, with immune dysregulation. Identifiers: Orphanet 444092, MedGen C5975714, MONDO:0014629.

Allele frequency attached by ClinVar (database versions not stated): gnomAD exomes below 0.00001; gnomAD 0.00001; TOPMed 0.00001.
gnomAD v4.1: 4 of 1,614,052 alleles (0.00025%); highest among the groups gnomAD compares: East Asian, 0.0022%; no homozygotes.

Submission:

Labcorp Genetics (formerly Invitae), Labcorp
Classification: Uncertain significance for Autoimmune interstitial lung disease-arthritis syndrome. Last evaluated: 2025-05-04. Review status: criteria provided, single submitter. Criteria: Invitae Variant Classification Sherloc (09022015). Collection method: clinical testing. Allele origin: germline.
Comment: This sequence change replaces arginine, which is basic and polar, with cysteine, which is neutral and slightly polar, at codon 967 of the COPA protein (p.Arg967Cys). This variant is not present in population databases (gnomAD no frequency). This variant has not been reported in the literature in individuals affected with COPA-related conditions. ClinVar contains an entry for this variant (Variation ID: 1908055). Invitae Evidence Modeling of protein sequence and biophysical properties (such as structural, functional, and spatial information, amino acid conservation, physicochemical variation, residue mobility, and thermodynamic stability) has been performed for this missense variant. However, the output from this modeling did not meet the statistical confidence thresholds required to predict the impact of this variant on COPA protein function. In summary, the available evidence is currently insufficient to determine the role of this variant in disease. Therefore, it has been classified as a Variant of Uncertain Significance.

NM_004371.4(COPA):c.2899C>T (p.Arg967Cys)

Gene: COPA (coat protein complex I subunit alpha; minus strand). Cytogenetic location: 1q23.2.
Variant type: single nucleotide variant.
Coding change: c.2899C>T on transcript NM_004371.4 (MANE Select); coding-DNA position 2899, C replaced by T.
Protein change: p.Arg967Cys; replaces arginine 967 with cysteine.
Molecular consequence: missense variant.
Genome position (GRCh38, 1-based): chr1:160,292,545, G>A on the plus strand (C>T on the coding strand, the complement: COPA is on the minus strand). VCF-style: chr1-160292545-G-A. GRCh37 (hg19) VCF-style: chr1-160262335-G-A.
Other names: c.2926C>T, p.Arg976Cys (NM_001098398.2); short protein forms R967C, R976C.
Identifiers: ClinVar variation 1908055 (VCV001908055.5), dbSNP rs940845491, ClinGen allele CA31533321.